The following is an entry in ClinVar:

NM_024120.5(NDUFAF5):c.1024A>G (p.Lys342Glu)

Gene: NDUFAF5 (NADH:ubiquinone oxidoreductase complex assembly factor 5; plus strand). Cytogenetic location: 20p12.1.
Variant type: single nucleotide variant.
Coding change: c.1024A>G on transcript NM_024120.5 (MANE Select); coding-DNA position 1024, A replaced by G.
Protein change: p.Lys342Glu; replaces lysine 342 with glutamic acid.
Molecular consequence: missense variant. On other transcripts: non-coding transcript variant (7).
Genome position (GRCh38, 1-based): chr20:13,817,196, A>G. VCF-style: chr20-13817196-A-G. GRCh37 (hg19) VCF-style: chr20-13797842-A-G.
Other names: c.940A>G, p.Lys314Glu (NM_001039375.3); c.553A>G, p.Lys185Glu (NM_001352403.2); c.463A>G, p.Lys155Glu (NM_001352406.2, NM_001352407.2); short protein forms K155E, K185E, K314E, K342E.
Identifiers: ClinVar variation 991375 (VCV000991375.3), dbSNP rs769458895, ClinGen allele CA9767962.

ClinVar aggregate classification (germline): Uncertain significance. Review status: criteria provided, single submitter (1 of 4 stars). 2 submissions from 2 submitters: Uncertain significance (1). 1 of the submissions does not count toward it. Last evaluated 2022-07-18.

Conditions:
Leigh syndrome (NULS). Also called: Leigh's syndrome; Leigh Syndrome (mtDNA deletion); Leigh Disease; Subacute necrotizing encephalopathy; Necrotizing encephalopathy infantile subacute of Leigh; LEIGH SYNDROME, NUCLEAR. Identifiers: Orphanet 506, MedGen C2931891, MONDO:0009723, OMIM 256000.

Allele frequency attached by ClinVar (database versions not stated): gnomAD exomes below 0.00001 and 0.00001; ExAC 0.00001; gnomAD 0.00001; TOPMed 0.00002.
gnomAD v4.1: 18 of 1,612,028 alleles (0.0011%); highest among the groups gnomAD compares: Middle Eastern, 0.066%; no homozygotes.

Submissions (2):

Labcorp Genetics (formerly Invitae), Labcorp
Classification: Uncertain significance. Last evaluated: 2022-07-18. Review status: criteria provided, single submitter. Criteria: Invitae Variant Classification Sherloc (09022015). Collection method: clinical testing. Allele origin: germline.
Comment: This sequence change replaces lysine, which is basic and polar, with glutamic acid, which is acidic and polar, at codon 342 of the NDUFAF5 protein (p.Lys342Glu). This variant is present in population databases (rs769458895, gnomAD 0.007%). This variant has not been reported in the literature in individuals affected with NDUFAF5-related conditions. ClinVar contains an entry for this variant (Variation ID: 991375). Algorithms developed to predict the effect of missense changes on protein structure and function output the following: SIFT: "Tolerated"; PolyPhen-2: "Benign"; Align-GVGD: "Class C0". The glutamic acid amino acid residue is found in multiple mammalian species, which suggests that this missense change does not adversely affect protein function. In summary, the available evidence is currently insufficient to determine the role of this variant in disease. Therefore, it has been classified as a Variant of Uncertain Significance.

Natera, Inc.
Classification: Uncertain significance for Leigh syndrome. Last evaluated: 2020-08-31. Review status: no assertion criteria provided. Collection method: clinical testing. Allele origin: germline. Not counted in ClinVar's aggregate classification.